The following is an entry in ClinVar:

NM_014476.6(PDLIM3):c.793+48C>T

Gene: PDLIM3 (PDZ and LIM domain 3; minus strand). Cytogenetic location: 4q35.1.
Variant type: single nucleotide variant.
Coding change: c.793+48C>T on transcript NM_014476.6 (MANE Select); 48 bases into the intron after coding-DNA position 793, C replaced by T.
Molecular consequence: intron variant.
Genome position (GRCh38, 1-based): chr4:185,506,474, G>A on the plus strand (C>T on the coding strand, the complement: PDLIM3 is on the minus strand). VCF-style: chr4-185506474-G-A. GRCh37 (hg19) VCF-style: chr4-186427628-G-A.
Other names: c.292+48C>T (NM_001257963.2); c.529+48C>T (NM_001257962.2); c.649+48C>T (NM_001114107.5).
Identifiers: ClinVar variation 674104 (VCV000674104.1), dbSNP rs80263118, ClinGen allele CA3159694.

ClinVar aggregate classification (germline): Likely benign (1 of 4 stars; one submission).

Allele frequency attached by ClinVar (database versions not stated): gnomAD exomes 0.00146; ExAC 0.00172; gnomAD 0.00516 and 0.00546; TOPMed 0.00535; ESP Exome Variant Server 0.00584; 1000 Genomes Project 0.00899; 1000 Genomes Project 30x 0.00968.
gnomAD v4.1: 1,741 of 1,610,714 alleles (0.11%); highest among the groups gnomAD compares: African/African-American, 1.8%; 14 homozygotes.

Submission:

GeneDx
Classification: Likely benign. Last evaluated: 2018-06-18. Review status: criteria provided, single submitter. Criteria: GeneDx Variant Classification (06012015). Collection method: clinical testing. Allele origin: germline. Affected: yes.
Comment: This variant is considered likely benign or benign based on one or more of the following criteria: it is a conservative change, it occurs at a poorly conserved position in the protein, it is predicted to be benign by multiple in silico algorithms, and/or has population frequency not consistent with disease.